The following is an entry in ClinVar:

ClinVar aggregate classification (germline): Uncertain significance. Review status: criteria provided, multiple submitters, no conflicts (2 of 4 stars). 2 submissions from 2 submitters: Uncertain significance (2). Last evaluated 2023-11-20.

Conditions:
Developmental and epileptic encephalopathy, 31A. Also called: Developmental and epileptic encephalopathy, 31; Epileptic encephalopathy, early infantile, 31. Identifiers: Orphanet 2382, MedGen C4225357, MONDO:0014598, OMIM 616346.
Inborn genetic diseases. Identifiers: MedGen C0950123, MeSH D030342.

Allele frequency attached by ClinVar (database versions not stated): TOPMed 0.00001.

Submissions (2):

Labcorp Genetics (formerly Invitae), Labcorp
Classification: Uncertain significance for Developmental and epileptic encephalopathy, 31A. Last evaluated: 2023-11-20. Review status: criteria provided, single submitter. Criteria: Invitae Variant Classification Sherloc (09022015). Collection method: clinical testing. Allele origin: germline.
Comment: This sequence change replaces proline, which is neutral and non-polar, with threonine, which is neutral and polar, at codon 195 of the DNM1 protein (p.Pro195Thr). This variant is not present in population databases (gnomAD no frequency). This variant has not been reported in the literature in individuals affected with DNM1-related conditions. ClinVar contains an entry for this variant (Variation ID: 2256702). Advanced modeling of protein sequence and biophysical properties (such as structural, functional, and spatial information, amino acid conservation, physicochemical variation, residue mobility, and thermodynamic stability) performed at Invitae indicates that this missense variant is expected to disrupt DNM1 protein function with a positive predictive value of 80%. In summary, the available evidence is currently insufficient to determine the role of this variant in disease. Therefore, it has been classified as a Variant of Uncertain Significance.

Ambry Genetics
Classification: Uncertain significance for Inborn genetic diseases. Last evaluated: 2021-10-22. Review status: criteria provided, single submitter. Criteria: Ambry Variant Classification Scheme 2023. Collection method: clinical testing. Allele origin: germline.

NM_004408.4(DNM1):c.583C>A (p.Pro195Thr)

Genes: DNM1 (dynamin 1; plus strand), LOC113839516 (Sharpr-MPRA regulatory region 8497; plus strand). Cytogenetic location: 9q34.11.
Variant type: single nucleotide variant.
Coding change: c.583C>A on transcript NM_004408.4 (MANE Select); coding-DNA position 583, C replaced by A.
Protein change: p.Pro195Thr; replaces proline 195 with threonine.
Molecular consequence: missense variant.
Genome position (GRCh38, 1-based): chr9:128,219,246, C>A. VCF-style: chr9-128219246-C-A. GRCh37 (hg19) VCF-style: chr9-130981525-C-A.
Other names: c.583C>A, p.Pro195Thr (NM_001005336.3, NM_001288737.2, NM_001288738.2 and 2 more transcripts); short protein forms P195T.
Identifiers: ClinVar variation 2256702 (VCV002256702.5), dbSNP rs1423033360, ClinGen allele CA375011729.